The following is an entry in ClinVar:

NM_000245.4(MET):c.3107C>T (p.Thr1036Ile)

Gene: MET (MET proto-oncogene, receptor tyrosine kinase; plus strand). Cytogenetic location: 7q31.2.
Variant type: single nucleotide variant.
Coding change: c.3107C>T on transcript NM_000245.4 (MANE Select); coding-DNA position 3107, C replaced by T.
Protein change: p.Thr1036Ile; replaces threonine 1036 with isoleucine.
Molecular consequence: missense variant.
Genome position (GRCh38, 1-based): chr7:116,774,959, C>T. VCF-style: chr7-116774959-C-T. GRCh37 (hg19) VCF-style: chr7-116415013-C-T.
Other names: c.3161C>T (LRG_662t1); c.3161C>T, p.Thr1054Ile (NM_001127500.3); c.1817C>T, p.Thr606Ile (NM_001324402.2); short protein forms T1054I, T606I, T1036I.
Identifiers: ClinVar variation 524882 (VCV000524882.13), dbSNP rs758440368, ClinGen allele CA4448653.

ClinVar aggregate classification (germline): Conflicting classifications of pathogenicity. Review status: criteria provided, conflicting classifications (1 of 4 stars). 4 submissions from 4 submitters: Uncertain significance (2); Likely benign (2). Last evaluated 2025-09-14.

Conditions:
Autosomal recessive nonsyndromic hearing loss 97. Also called: Deafness, autosomal recessive 97. Identifiers: Orphanet 90636, MedGen C4084709, MONDO:0014739, OMIM 616705.
Renal cell carcinoma. Identifiers: Orphanet 217071, MedGen C0007134, MeSH D002292, MONDO:0005086, HP:0005584.
Hereditary cancer-predisposing syndrome. Also called: Neoplastic Syndromes, Hereditary; Hereditary neoplastic syndrome; Tumor predisposition; Hereditary Cancer Syndrome. Identifiers: Orphanet 140162, MedGen C0027672, MeSH D009386, MONDO:0015356.

Allele frequency attached by ClinVar (database versions not stated): gnomAD 0.00001; gnomAD exomes 0.00001 and 0.00002; TOPMed 0.00001; ExAC 0.00002.
gnomAD v4.1: 13 of 1,614,008 alleles (0.00081%); highest among the groups gnomAD compares: East Asian, 0.0067%; no homozygotes.

Submissions (4):

Labcorp Genetics (formerly Invitae), Labcorp
Classification: Likely benign for Renal cell carcinoma. Last evaluated: 2025-09-14. Review status: criteria provided, single submitter. Criteria: Invitae Variant Classification Sherloc (09022015). Collection method: clinical testing. Allele origin: germline.

Baylor Genetics
Classification: Uncertain significance for Autosomal recessive nonsyndromic hearing loss 97. Last evaluated: 2023-07-28. Review status: criteria provided, single submitter. Criteria: ACMG Guidelines, 2015. Collection method: clinical testing. Allele origin: unknown.

GeneDx
Classification: Uncertain significance. Last evaluated: 2023-07-10. Review status: criteria provided, single submitter. Criteria: GeneDx Variant Classification Process June 2021. Collection method: clinical testing. Allele origin: germline. Affected: yes.
Comment: In silico analysis supports that this missense variant does not alter protein structure/function; Has not been previously published as pathogenic or benign to our knowledge

Ambry Genetics
Classification: Likely benign for Hereditary cancer-predisposing syndrome. Last evaluated: 2022-06-13. Review status: criteria provided, single submitter. Criteria: Ambry Variant Classification Scheme 2023. Collection method: clinical testing. Allele origin: germline.